The following is an entry in ClinVar:

NM_018451.5(CPAP):c.2999A>T (p.Lys1000Ile)

Gene: CPAP (centrosome assembly and centriole elongation protein; minus strand). Cytogenetic location: 13q12.12.
Variant type: single nucleotide variant.
Coding change: c.2999A>T on transcript NM_018451.5 (MANE Select); coding-DNA position 2999, A replaced by T.
Protein change: p.Lys1000Ile; replaces lysine 1000 with isoleucine.
Molecular consequence: missense variant. On other transcripts: non-coding transcript variant (2).
Genome position (GRCh38, 1-based): chr13:24,892,860, T>A on the plus strand (A>T on the coding strand, the complement: CPAP is on the minus strand). VCF-style: chr13-24892860-T-A. GRCh37 (hg19) VCF-style: chr13-25466998-T-A.
Other names: short protein forms K1000I.
Identifiers: ClinVar variation 2085926 (VCV002085926.5), dbSNP rs377571847, ClinGen allele CA6919424.

ClinVar aggregate classification (germline): Uncertain significance (1 of 4 stars; one submission).

Allele frequency attached by ClinVar (database versions not stated): ESP Exome Variant Server 0.00008.
gnomAD v4.1: 61 of 1,601,846 alleles (0.0038%); highest among the groups gnomAD compares: Admixed American, 0.0068%; no homozygotes.

Submissions (2):

Labcorp Genetics (formerly Invitae), Labcorp
Classification: Uncertain significance. Last evaluated: 2021-12-25. Review status: criteria provided, single submitter. Criteria: Invitae Variant Classification Sherloc (09022015). Collection method: clinical testing. Allele origin: germline.
Comment: In summary, the available evidence is currently insufficient to determine the role of this variant in disease. Therefore, it has been classified as a Variant of Uncertain Significance. Algorithms developed to predict the effect of missense changes on protein structure and function are either unavailable or do not agree on the potential impact of this missense change (SIFT: "Deleterious"; PolyPhen-2: "Possibly Damaging"; Align-GVGD: "Class C0"). This variant has not been reported in the literature in individuals affected with CENPJ-related conditions. The frequency data for this variant in the population databases is considered unreliable, as metrics indicate poor data quality at this position in the gnomAD database. This sequence change replaces lysine, which is basic and polar, with isoleucine, which is neutral and non-polar, at codon 1000 of the CENPJ protein (p.Lys1000Ile).

Dr. Peter K. Rogan Lab, Western University
No classification provided (evidence only). Condition: Thyroid cancer, nonmedullary, 1. Review status: no classification provided. Collection method: in vitro. Allele origin: not applicable. Functional consequence: retained intron. Not counted in ClinVar's aggregate classification.